The following is an entry in ClinVar:

ClinVar aggregate classification (germline): Conflicting classifications of pathogenicity. Review status: criteria provided, conflicting classifications (1 of 4 stars). 3 submissions from 3 submitters: Likely pathogenic (1); Uncertain significance (1); Likely benign (1). Last evaluated 2025-10-27.

Conditions:
Paediatric disorders.

Allele frequency attached by ClinVar (database versions not stated): ExAC 0.00011; gnomAD exomes 0.00030 and 0.00010; TOPMed 0.00014; ESP Exome Variant Server 0.00015; gnomAD 0.00014.
gnomAD v4.1: 450 of 1,610,200 alleles (0.028%); highest among the groups gnomAD compares: Non-Finnish European, 0.037%; no homozygotes.

Submissions (3):

North West Genomic Laboratory Hub, Manchester University NHS Foundation Trust
Classification: Likely pathogenic for Paediatric disorders. Last evaluated: 2025-10-27. Review status: criteria provided, single submitter. Criteria: ACGS Best Practice Guidelines for Variant Classification in Rare Disease 2024. Collection method: clinical testing. Allele origin: germline. Affected: yes.
Comment: PM4_Mod PM3_Mod PM2_Mod

Women's Health and Genetics/Laboratory Corporation of America, LabCorp
Classification: Uncertain significance. Last evaluated: 2025-04-30. Review status: criteria provided, single submitter. Criteria: LabCorp Variant Classification Summary - May 2015. Collection method: clinical testing. Allele origin: germline.
Comment: Variant summary: KYNU c.291-7A>G alters a non-conserved nucleotide located at a position not widely known to affect splicing. Several computational tools predict a significant impact on normal splicing: Four predict the variant creates a 3' acceptor site. One predicts the variant weakens a 3' acceptor site. Two predict the variant abolishes a 3' acceptor site. However, these predictions have yet to be confirmed by functional studies. The variant allele was found at a frequency of 9.6e-05 in 251268 control chromosomes. This frequency is not significantly higher than estimated for a pathogenic variant in KYNU causing Vertebral, Cardiac, Renal, And Limb Defects Syndrome 2, allowing no conclusion about variant significance. To our knowledge, no occurrence of c.291-7A>G in individuals affected with KYNU-related conditions and no experimental evidence demonstrating its impact on protein function have been reported. ClinVar contains an entry for this variant (Variation ID: 729579). Based on the evidence outlined above, the variant was classified as uncertain significance.

Labcorp Genetics (formerly Invitae), Labcorp
Classification: Likely benign. Last evaluated: 2017-12-20. Review status: criteria provided, single submitter. Criteria: Invitae Variant Classification Sherloc (09022015). Collection method: clinical testing. Allele origin: germline.

NM_003937.3(KYNU):c.291-7A>G

Gene: KYNU (kynureninase; plus strand). Cytogenetic location: 2q22.2.
Variant type: single nucleotide variant.
Coding change: c.291-7A>G on transcript NM_003937.3 (MANE Select); 7 bases into the intron before coding-DNA position 291, A replaced by G.
Molecular consequence: intron variant.
Genome position (GRCh38, 1-based): chr2:142,927,652, A>G. VCF-style: chr2-142927652-A-G. GRCh37 (hg19) VCF-style: chr2-143685221-A-G.
Other names: c.291-7A>G (NM_001199241.2, NM_001032998.2).
Identifiers: ClinVar variation 729579 (VCV000729579.6), dbSNP rs369879960, ClinGen allele CA1896633.
Genomic context (GRCh38, chr2:142,927,652, plus strand): 5'-ATATTTGAAATAATCACACACATGCACATAAAAGCTAAGATATGTTTATGTCCGTTTTCA[A>G]TTTCAGAGCAGCCTATGGTCATGAAGTGGGGAAGCGTCCTTGGATTACAGGAGATGAGAG-3'